The following is an entry in ClinVar:

NM_000443.4(ABCB4):c.2540T>C (p.Ile847Thr)

Gene: ABCB4 (ATP binding cassette subfamily B member 4; minus strand). Cytogenetic location: 7q21.12.
Variant type: single nucleotide variant.
Coding change: c.2540T>C on transcript NM_000443.4 (MANE Select); coding-DNA position 2540, T replaced by C.
Protein change: p.Ile847Thr; replaces isoleucine 847 with threonine.
Molecular consequence: missense variant.
Genome position (GRCh38, 1-based): chr7:87,417,454, A>G on the plus strand (T>C on the coding strand, the complement: ABCB4 is on the minus strand). VCF-style: chr7-87417454-A-G. GRCh37 (hg19) VCF-style: chr7-87046770-A-G.
Other names: c.2540T>C, p.Ile847Thr (NM_018849.3, NM_018850.3); short protein forms I847T.
Identifiers: ClinVar variation 3768552 (VCV003768552.2).

ClinVar aggregate classification (germline): Uncertain significance. Review status: criteria provided, multiple submitters, no conflicts (2 of 4 stars). 2 submissions from 2 submitters: Uncertain significance (2). Last evaluated 2026-04-14.

Conditions:
Low phospholipid associated cholelithiasis (GBD1). Also called: Gallstone cholecystitis; Gallbladder disease 1. Identifiers: Orphanet 69663, MedGen C2609268, MONDO:0010939, OMIM 600803.

gnomAD v4.1: 8 of 1,614,172 alleles (0.0005%); highest among the groups gnomAD compares: South Asian, 0.0022%; no homozygotes.

Submissions (2):

Genomenon, Inc
Classification: Uncertain significance for Low phospholipid associated cholelithiasis. Last evaluated: 2026-04-14. Review status: criteria provided, single submitter. Criteria: Genomenon Sequence Variant Interpretation Standards - Updated. Collection method: curation. Allele origin: germline. Affected: yes.
Comment: ABCB4 p.Ile847Thr (c.2540T>C) is a missense variant that changes the amino acid at residue 847 from Isoleucine to Threonine. This variant has been observed in at least one proband with an ABCB4-related disorder (PMID:30449124). It has been observed in trans with a pathogenic or likely pathogenic variant (PMID:30449124). The variant was found to segregate with disease in at least one affected family (PMID:30449124). It is absent or not present at a significant frequency in gnomAD. In silico models predict that this variant is possibly or probably damaging. In conclusion, we classify ABCB4 p.Ile847Thr (c.2540T>C) as a variant of uncertain significance.

Women's Health and Genetics/Laboratory Corporation of America, LabCorp
Classification: Uncertain significance. Last evaluated: 2024-12-17. Review status: criteria provided, single submitter. Criteria: LabCorp Variant Classification Summary - May 2015. Collection method: clinical testing. Allele origin: germline.
Comment: Variant summary: ABCB4 c.2540T>C (p.Ile847Thr) results in a non-conservative amino acid change located in the ABC transporter transmembrane region (IPR011527) of the encoded protein sequence. Three of five in-silico tools predict a damaging effect of the variant on protein function. The variant allele was found at a frequency of 4e-06 in 251186 control chromosomes. c.2540T>C has been reported in the literature in individuals affected with Cholestasis, Intrahepatic, Of Pregnancy, 3 (Huynh_2019). These data indicate that the variant may be associated with disease. To our knowledge, no experimental evidence demonstrating an impact on protein function has been reported. The following publication has been ascertained in the context of this evaluation (PMID: 30449124). No submitters have cited clinical-significance assessments for this variant to ClinVar. Based on the evidence outlined above, the variant was classified as VUS-possibly pathogenic.

Literature cited by the submitters: PubMed 30449124 (cited by Genomenon, Inc and Women's Health and Genetics/Laboratory Corporation of America, LabCorp).